The following is an entry in ClinVar:

NM_005097.4(LGI1):c.835A>G (p.Thr279Ala)

Gene: LGI1 (leucine rich glioma inactivated 1; plus strand). Cytogenetic location: 10q23.33.
Variant type: single nucleotide variant.
Coding change: c.835A>G on transcript NM_005097.4 (MANE Select); coding-DNA position 835, A replaced by G.
Protein change: p.Thr279Ala; replaces threonine 279 with alanine.
Molecular consequence: missense variant. On other transcripts: non-coding transcript variant (1).
Genome position (GRCh38, 1-based): chr10:93,793,347, A>G. VCF-style: chr10-93793347-A-G. GRCh37 (hg19) VCF-style: chr10-95553104-A-G.
Other names: c.835A>G, p.Thr279Ala (NM_001308275.2); c.691A>G, p.Thr231Ala (NM_001308276.2); short protein forms T231A, T279A.
Identifiers: ClinVar variation 1383318 (VCV001383318.14), dbSNP rs752003436, ClinGen allele CA5611186.

ClinVar aggregate classification (germline): Uncertain significance. Review status: criteria provided, multiple submitters, no conflicts (2 of 4 stars). 2 submissions from 2 submitters: Uncertain significance (2). Last evaluated 2025-07-01.

Conditions:
Autosomal dominant epilepsy with auditory features. Identifiers: Orphanet 101046, MedGen C1838062, MONDO:0010898.

Allele frequency attached by ClinVar (database versions not stated): gnomAD exomes below 0.00001; ExAC 0.00001.
gnomAD v4.1: 1 of 1,613,528 alleles (0.000062%); highest among the groups gnomAD compares: Non-Finnish European, 0.000085%; no homozygotes.

Submissions (2):

CeGaT Center for Human Genetics Tuebingen
Classification: Uncertain significance. Last evaluated: 2025-07-01. Review status: criteria provided, single submitter. Criteria: CeGaT Center For Human Genetics Tuebingen Variant Classification Criteria Version 2. Collection method: clinical testing. Allele origin: germline. Affected: yes. Observed: 1 variant allele.
Comment: LGI1: PM2, PP2

Labcorp Genetics (formerly Invitae), Labcorp
Classification: Uncertain significance for Autosomal dominant epilepsy with auditory features. Last evaluated: 2022-10-24. Review status: criteria provided, single submitter. Criteria: Invitae Variant Classification Sherloc (09022015). Collection method: clinical testing. Allele origin: germline.
Comment: In summary, the available evidence is currently insufficient to determine the role of this variant in disease. Therefore, it has been classified as a Variant of Uncertain Significance. Advanced modeling of protein sequence and biophysical properties (such as structural, functional, and spatial information, amino acid conservation, physicochemical variation, residue mobility, and thermodynamic stability) performed at Invitae indicates that this missense variant is not expected to disrupt LGI1 protein function. ClinVar contains an entry for this variant (Variation ID: 1383318). This variant has not been reported in the literature in individuals affected with LGI1-related conditions. This variant is present in population databases (rs752003436, gnomAD 0.0009%). This sequence change replaces threonine, which is neutral and polar, with alanine, which is neutral and non-polar, at codon 279 of the LGI1 protein (p.Thr279Ala).